The following is an entry in ClinVar:

ClinVar aggregate classification (germline): Uncertain significance. Review status: criteria provided, multiple submitters, no conflicts (2 of 4 stars). 2 submissions from 2 submitters: Uncertain significance (2). Last evaluated 2025-11-27.

Conditions:
Inborn genetic diseases. Identifiers: MedGen C0950123, MeSH D030342.

Allele frequency attached by ClinVar (database versions not stated): gnomAD exomes below 0.00001.

Submissions (2):

Ambry Genetics
Classification: Uncertain significance for Inborn genetic diseases. Last evaluated: 2025-11-27. Review status: criteria provided, single submitter. Criteria: Ambry Variant Classification Scheme 2023. Collection method: clinical testing. Allele origin: germline.

Labcorp Genetics (formerly Invitae), Labcorp
Classification: Uncertain significance. Last evaluated: 2021-07-12. Review status: criteria provided, single submitter. Criteria: Invitae Variant Classification Sherloc (09022015). Collection method: clinical testing. Allele origin: germline.
Comment: This sequence change replaces phenylalanine with tyrosine at codon 268 of the COL4A1 protein (p.Phe268Tyr). The phenylalanine residue is weakly conserved and there is a small physicochemical difference between phenylalanine and tyrosine. This variant is not present in population databases (ExAC no frequency). This variant has not been reported in the literature in individuals affected with COL4A1-related conditions. Advanced modeling of protein sequence and biophysical properties (such as structural, functional, and spatial information, amino acid conservation, physicochemical variation, residue mobility, and thermodynamic stability) performed at Invitae indicates that this missense variant is not expected to disrupt COL4A1 protein function. In summary, the available evidence is currently insufficient to determine the role of this variant in disease. Therefore, it has been classified as a Variant of Uncertain Significance.

NM_001845.6(COL4A1):c.803T>A (p.Phe268Tyr)

Gene: COL4A1 (collagen type IV alpha 1 chain; minus strand). Cytogenetic location: 13q34.
Variant type: single nucleotide variant.
Coding change: c.803T>A on transcript NM_001845.6 (MANE Select); coding-DNA position 803, T replaced by A.
Protein change: p.Phe268Tyr; replaces phenylalanine 268 with tyrosine.
Molecular consequence: missense variant.
Genome position (GRCh38, 1-based): chr13:110,206,869, A>T on the plus strand (T>A on the coding strand, the complement: COL4A1 is on the minus strand). VCF-style: chr13-110206869-A-T. GRCh37 (hg19) VCF-style: chr13-110859216-A-T.
Other names: c.803T>A, p.Phe268Tyr (NM_001303110.2); c.803T>A (NM_001845.4); short protein forms F268Y.
Identifiers: ClinVar variation 1364146 (VCV001364146.9), dbSNP rs2139198460, ClinGen allele CA388724963.
Genomic context (GRCh38, chr13:110,206,869, plus strand): 5'-ACTTAAATCTTTATGGTCTTTGACCTAAAAATGATAGGCAGAAACTGAGTACTGACCTGA[A>T]ATCCAGGTTCACCTTTTTGGCCCTGAAAGAATTCGAGAGACAGATCAGCACTATCAAACA-3'
Protein context (NP_001836.3, residues 258-278): GEKGQKGEPG[Phe268Tyr]QGMPGVGEKG